The following is an entry in ClinVar:

NC_000010.11:g.(?_52054474)_(52054571_?)del

Gene: PRKG1 (protein kinase cGMP-dependent 1; plus strand). Cytogenetic location: 10q21.1.
Variant type: Deletion.
Identifiers: ClinVar variation 658993 (VCV000658993.7).

ClinVar aggregate classification (germline): Uncertain significance (1 of 4 stars; one submission).

Conditions:
Aortic aneurysm, familial thoracic 8 (AAT8). Identifiers: MedGen C3809513, MONDO:0014187, OMIM 615436.

Submission:

Labcorp Genetics (formerly Invitae), Labcorp
Classification: Uncertain significance for Aortic aneurysm, familial thoracic 8. Last evaluated: 2018-08-26. Review status: criteria provided, single submitter. Criteria: Invitae Variant Classification Sherloc (09022015). Collection method: clinical testing. Allele origin: germline.
Comment: Experimental studies and prediction algorithms are not available for this variant, and the functional significance of the affected amino acid(s) is currently unknown. In summary, the available evidence is currently insufficient to determine the role of this variant in disease. Therefore, it has been classified as a Variant of Uncertain Significance. This variant has not been reported in the literature in individuals with PRKG1-related disease. This variant is an in-frame deletion of the genomic region encompassing exon 6 of the PRKG1 gene. It preserves the integrity of the reading frame.